The following is an entry in ClinVar:

ClinVar aggregate classification (germline): Uncertain significance (1 of 4 stars; one submission).

Conditions:
USH1C-related disorder. Also called: USH1C-related condition.

Submission:

PreventionGenetics, part of Exact Sciences
Classification: Uncertain significance for USH1C-related condition. Last evaluated: 2026-07-14. Review status: criteria provided, single submitter. Criteria: ACMG Guidelines, 2015. Collection method: clinical testing. Allele origin: germline.
Comment: The USH1C c.1652T>C variant is predicted to result in the amino acid substitution p.Phe551Ser. To our knowledge, this variant has not been reported in the literature. This variant is reported in 0.0018% of alleles in individuals of European (Non-Finnish) descent in gnomAD. At this time, the clinical significance of this variant is uncertain due to the absence of conclusive functional and genetic evidence.

NM_153676.4(USH1C):c.1652T>C (p.Phe551Ser)

Gene: USH1C (USH1 protein network component harmonin; minus strand). Cytogenetic location: 11p15.1.
Variant type: single nucleotide variant.
Coding change: c.1652T>C on transcript NM_153676.4 (MANE Select); coding-DNA position 1652, T replaced by C.
Protein change: p.Phe551Ser; replaces phenylalanine 551 with serine.
Molecular consequence: missense variant. On other transcripts: intron variant (11).
Genome position (GRCh38, 1-based): chr11:17,509,717, A>G on the plus strand (T>C on the coding strand, the complement: USH1C is on the minus strand). VCF-style: chr11-17509717-A-G. GRCh37 (hg19) VCF-style: chr11-17531264-A-G.
Other names: c.1227+7684T>C (NM_001297764.2); c.1210+11153T>C (NM_001440687.1); c.1413+2185T>C (NM_001440681.1); c.1284+7684T>C (NM_001440685.1, NM_005709.4, NM_001440682.1); c.1285-5020T>C (NM_001440683.1); c.1437+2185T>C (NM_001440680.1); c.1260+7684T>C (NM_001440686.1); c.1317+7684T>C (NM_001440684.1); and 1 more; short protein forms F551S.
Identifiers: ClinVar variation 4984832 (VCV004984832.1).